The following is an entry in ClinVar:

ClinVar aggregate classification (germline): Uncertain significance (1 of 4 stars; one submission).

Conditions:
Hereditary sensory and autonomic neuropathy type 6. Also called: HSAN VI; Neuropathy, hereditary sensory and autonomic, type VI. Identifiers: Orphanet 314381, MedGen C3539003, MONDO:0013839, OMIM 614653.
Epidermolysis bullosa simplex 3, localized or generalized intermediate, with BP230 deficiency (EBS3). Also called: Epidermolysis bullosa simplex, autosomal recessive 2; Epidermolysis bullosa simplex due to BP230 deficiency. Identifiers: Orphanet 412181, MedGen C3809470, MONDO:0014180, OMIM 615425.

Allele frequency attached by ClinVar (database versions not stated): gnomAD 0.00004 and 0.00007; TOPMed 0.00004; ESP Exome Variant Server 0.00008.
gnomAD v4.1: 77 of 1,614,068 alleles (0.0048%); highest among the groups gnomAD compares: East Asian, 0.011%; no homozygotes.

Submission:

Labcorp Genetics (formerly Invitae), Labcorp
Classification: Uncertain significance for Epidermolysis bullosa simplex 3, localized or generalized intermediate, with BP230 deficiency; Hereditary sensory and autonomic neuropathy type 6. Last evaluated: 2024-10-30. Review status: criteria provided, single submitter. Criteria: Invitae Variant Classification Sherloc (09022015). Collection method: clinical testing. Allele origin: germline.
Comment: This sequence change replaces arginine, which is basic and polar, with histidine, which is basic and polar, at codon 9 of the DST protein (p.Arg9His). This variant is present in population databases (rs201866780, gnomAD 0.006%). This variant has not been reported in the literature in individuals affected with DST-related conditions. ClinVar contains an entry for this variant (Variation ID: 863497). An algorithm developed to predict the effect of missense changes on protein structure and function outputs the following: PolyPhen-2: "Benign". The histidine amino acid residue is found in multiple mammalian species, which suggests that this missense change does not adversely affect protein function. In summary, the available evidence is currently insufficient to determine the role of this variant in disease. Therefore, it has been classified as a Variant of Uncertain Significance.

NM_001723.7(DST):c.26G>A (p.Arg9His)

Gene: DST (dystonin; minus strand). Cytogenetic location: 6p12.1.
Variant type: single nucleotide variant.
Coding change: c.26G>A on transcript NM_001723.7 (MANE Plus Clinical); coding-DNA position 26, G replaced by A.
Protein change: p.Arg9His; replaces arginine 9 with histidine.
Molecular consequence: missense variant. On other transcripts: intron variant (9).
Genome position (GRCh38, 1-based): chr6:56,642,763, C>T on the plus strand (G>A on the coding strand, the complement: DST is on the minus strand). VCF-style: chr6-56642763-C-T. GRCh37 (hg19) VCF-style: chr6-56507561-C-T.
Other names: c.26G>A, p.Arg9His (NM_015548.5); c.1680-260G>A (NM_001144769.5); c.1779-260G>A (NM_001374722.1, NM_001374736.1); c.1806-260G>A (NM_001374734.1); c.1266-260G>A (NM_001144770.2); c.1146-260G>A (NM_001374730.1, NM_001386100.1, NM_183380.4 and 1 more transcripts); short protein forms R9H.
Identifiers: ClinVar variation 863497 (VCV000863497.7), dbSNP rs201866780, ClinGen allele CA3871607.